The following is an entry in ClinVar:

NM_001379500.1(COL18A1):c.3979G>A (p.Val1327Met)

Genes: SLC19A1 (solute carrier family 19 member 1; minus strand), COL18A1 (collagen type XVIII alpha 1 chain; plus strand). Cytogenetic location: 21q22.3.
Variant type: single nucleotide variant.
Coding change: c.3979G>A on transcript NM_001379500.1 (MANE Select); coding-DNA position 3979, G replaced by A.
Protein change: p.Val1327Met; replaces valine 1327 with methionine.
Molecular consequence: missense variant.
Genome position (GRCh38, 1-based): chr21:45,512,357, G>A. VCF-style: chr21-45512357-G-A. GRCh37 (hg19) VCF-style: chr21-46932271-G-A.
Other names: c.4510G>A, p.Val1504Met (NM_030582.4); c.5215G>A, p.Val1739Met (NM_130444.3); c.4510G>A (NM_030582.3); short protein forms V1504M, V1327M, V1739M.
Identifiers: ClinVar variation 1375750 (VCV001375750.5), dbSNP rs573442861, ClinGen allele CA10068155.

ClinVar aggregate classification (germline): Uncertain significance. Review status: criteria provided, multiple submitters, no conflicts (2 of 4 stars). 2 submissions from 2 submitters: Uncertain significance (2). Last evaluated 2026-07-07.

Conditions:
COL18A1-related disorder. Also called: COL18A1-related disorders; COL18A1-related condition.

Allele frequency attached by ClinVar (database versions not stated): gnomAD exomes 0.00001; ExAC 0.00003; gnomAD 0.00004 and 0.00005; TOPMed 0.00005; 1000 Genomes Project 30x 0.00016; 1000 Genomes Project 0.00020.
gnomAD v4.1: 26 of 1,612,722 alleles (0.0016%); highest among the groups gnomAD compares: Middle Eastern, 0.017%; no homozygotes.

Submissions (2):

PreventionGenetics, part of Exact Sciences
Classification: Uncertain significance for COL18A1-related condition. Last evaluated: 2026-07-07. Review status: criteria provided, single submitter. Criteria: ACMG Guidelines, 2015. Collection method: clinical testing. Allele origin: germline.
Comment: The COL18A1 c.4510G>A variant is predicted to result in the amino acid substitution p.Val1504Met. This variant has been reported in a cohort study of retinal disease (reported as p.Val1327Met in Diñeiro et al. 2020. PubMed ID: 32483926). This variant is present in 0.0042% of alleles in individuals of African descent in gnomAD. At this time, the clinical significance of this variant is uncertain due to the absence of conclusive functional and genetic evidence.

Labcorp Genetics (formerly Invitae), Labcorp
Classification: Uncertain significance. Last evaluated: 2023-11-06. Review status: criteria provided, single submitter. Criteria: Invitae Variant Classification Sherloc (09022015). Collection method: clinical testing. Allele origin: germline.
Comment: This sequence change replaces valine, which is neutral and non-polar, with methionine, which is neutral and non-polar, at codon 1324 of the COL18A1 protein (p.Val1324Met). This variant is present in population databases (rs573442861, gnomAD 0.005%). This missense change has been observed in individual(s) with clinical features of COL18A1-related conditions (PMID: 32483926). ClinVar contains an entry for this variant (Variation ID: 1375750). Experimental studies and prediction algorithms are not available or were not evaluated, and the functional significance of this variant is currently unknown. In summary, the available evidence is currently insufficient to determine the role of this variant in disease. Therefore, it has been classified as a Variant of Uncertain Significance.

Literature cited by the submitters: PubMed 32483926 (cited by Labcorp Genetics (formerly Invitae), Labcorp).